The following is an entry in ClinVar:

NM_003873.7(NRP1):c.2632G>A (p.Val878Met)

Gene: NRP1 (neuropilin 1; minus strand). Cytogenetic location: 10p11.22.
Variant type: single nucleotide variant.
Coding change: c.2632G>A on transcript NM_003873.7 (MANE Select); coding-DNA position 2632, G replaced by A.
Protein change: p.Val878Met; replaces valine 878 with methionine.
Molecular consequence: missense variant. On other transcripts: non-coding transcript variant (1).
Genome position (GRCh38, 1-based): chr10:33,180,216, C>T on the plus strand (G>A on the coding strand, the complement: NRP1 is on the minus strand). VCF-style: chr10-33180216-C-T. GRCh37 (hg19) VCF-style: chr10-33469144-C-T.
Other names: c.2614G>A, p.Val872Met (NM_001244972.2); c.2611G>A, p.Val871Met (NM_001244973.2); c.2581G>A, p.Val861Met (NM_001330068.2); short protein forms V861M, V871M, V872M, V878M.
Identifiers: ClinVar variation 2636092 (VCV002636092.4), dbSNP rs200330871, ClinGen allele CA5466113.

ClinVar aggregate classification (germline): Uncertain significance. Review status: criteria provided, single submitter (1 of 4 stars). 2 submissions from 2 submitters: Uncertain significance (1). 1 of the submissions does not count toward it. Last evaluated 2024-08-27.

Conditions:
NRP1-related disorder. Also called: NRP1-related condition.

Allele frequency attached by ClinVar (database versions not stated): gnomAD 0.00003; TOPMed 0.00004; ExAC 0.00012.

Submissions (2):

Ambry Genetics
Classification: Uncertain significance. Last evaluated: 2024-08-27. Review status: criteria provided, single submitter. Criteria: Ambry Variant Classification Scheme 2023. Collection method: clinical testing. Allele origin: germline.

PreventionGenetics, part of Exact Sciences
Classification: Uncertain significance for NRP1-related condition. Last evaluated: 2024-02-13. Review status: no assertion criteria provided. Collection method: clinical testing. Allele origin: germline. Not counted in ClinVar's aggregate classification.
Comment: The NRP1 c.2632G>A variant is predicted to result in the amino acid substitution p.Val878Met. To our knowledge, this variant has not been reported in the literature. This variant is reported in 0.036% of alleles in individuals of South Asian descent in gnomAD, including one homozygote. At this time, the clinical significance of this variant is uncertain due to the absence of conclusive functional and genetic evidence.